The following is an entry in ClinVar:

NM_017617.5(NOTCH1):c.6947G>A (p.Ser2316Asn)

Gene: NOTCH1 (notch receptor 1; minus strand). Cytogenetic location: 9q34.3.
Variant type: single nucleotide variant.
Coding change: c.6947G>A on transcript NM_017617.5 (MANE Select); coding-DNA position 6947, G replaced by A.
Protein change: p.Ser2316Asn; replaces serine 2316 with asparagine.
Molecular consequence: missense variant.
Genome position (GRCh38, 1-based): chr9:136,496,792, C>T on the plus strand (G>A on the coding strand, the complement: NOTCH1 is on the minus strand). VCF-style: chr9-136496792-C-T. GRCh37 (hg19) VCF-style: chr9-139391244-C-T.
Other names: short protein forms S2316N.
Identifiers: ClinVar variation 1713885 (VCV001713885.5), dbSNP rs2540421394, ClinGen allele CA375629641.
Genomic context (GRCh38, chr9:136,496,792, plus strand): 5'-CTCAGGGGGCCTGGTGCCACACTCCCCCGCAGAGGGTTGTATTGGTTCGGCACCATGCCG[C>T]TCTGCAGCCGGGACAGCCACTCGCATTGACCATTCAAACTGGTGGACCCGCCCACAGTGA-3'
Protein context (NP_060087.3, residues 2306-2326): GQCEWLSRLQ[Ser2316Asn]GMVPNQYNPL

ClinVar aggregate classification (germline): Uncertain significance (1 of 4 stars; one submission).

Conditions:
Adams-Oliver syndrome 5 (AOS5). Identifiers: Orphanet 974, MedGen C4014970, MONDO:0014459, OMIM 616028.

Submission:

Labcorp Genetics (formerly Invitae), Labcorp
Classification: Uncertain significance for Adams-Oliver syndrome 5. Last evaluated: 2022-07-26. Review status: criteria provided, single submitter. Criteria: Invitae Variant Classification Sherloc (09022015). Collection method: clinical testing. Allele origin: germline.
Comment: This sequence change replaces serine, which is neutral and polar, with asparagine, which is neutral and polar, at codon 2316 of the NOTCH1 protein (p.Ser2316Asn). This variant is not present in population databases (gnomAD no frequency). This variant has not been reported in the literature in individuals affected with NOTCH1-related conditions. Advanced modeling of protein sequence and biophysical properties (such as structural, functional, and spatial information, amino acid conservation, physicochemical variation, residue mobility, and thermodynamic stability) performed at Invitae indicates that this missense variant is not expected to disrupt NOTCH1 protein function. In summary, the available evidence is currently insufficient to determine the role of this variant in disease. Therefore, it has been classified as a Variant of Uncertain Significance.